The following is an entry in ClinVar:

NM_006469.5(IVNS1ABP):c.1760A>T (p.Lys587Met)

Gene: IVNS1ABP (influenza virus NS1A binding protein; minus strand). Cytogenetic location: 1q25.3.
Variant type: single nucleotide variant.
Coding change: c.1760A>T on transcript NM_006469.5 (MANE Select); coding-DNA position 1760, A replaced by T.
Protein change: p.Lys587Met; replaces lysine 587 with methionine.
Molecular consequence: missense variant.
Genome position (GRCh38, 1-based): chr1:185,298,204, T>A on the plus strand (A>T on the coding strand, the complement: IVNS1ABP is on the minus strand). VCF-style: chr1-185298204-T-A. GRCh37 (hg19) VCF-style: chr1-185267336-T-A.
Other names: short protein forms K587M.
Identifiers: ClinVar variation 4989705 (VCV004989705.1).

ClinVar aggregate classification (germline): Uncertain significance (1 of 4 stars; one submission).

Conditions:
IVNS1ABP-related disorder. Also called: IVNS1ABP-related condition.

gnomAD v4.1: 4 of 1,613,764 alleles (0.00025%); highest among the groups gnomAD compares: Non-Finnish European, 0.00025%; no homozygotes.

Submission:

PreventionGenetics, part of Exact Sciences
Classification: Uncertain significance for IVNS1ABP-related condition. Last evaluated: 2025-10-08. Review status: criteria provided, single submitter. Criteria: ACMG Guidelines, 2015. Collection method: clinical testing. Allele origin: germline.
Comment: The IVNS1ABP c.1760A>T variant is predicted to result in the amino acid substitution p.Lys587Met. To our knowledge, this variant has not been reported in the literature. This variant is reported in 0.0046% of alleles in individuals of European (Finnish) descent in gnomAD. At this time, the clinical significance of this variant is uncertain due to the absence of conclusive functional and genetic evidence.